The following is an entry in ClinVar:

ClinVar aggregate classification (germline): Likely pathogenic (1 of 4 stars; one submission).

Submission:

GeneDx
Classification: Likely pathogenic. Last evaluated: 2017-04-28. Review status: criteria provided, single submitter. Criteria: GeneDx Variant Classification (06012015). Collection method: clinical testing. Allele origin: germline. Affected: yes.
Comment: A variant that is likely pathogenic has been identified in the PCDH19 gene. The c.878dupC variant has not been published as a pathogenic variant, nor has it been reported as a benign variant to our knowledge. The c.878dupC variant is not observed in large population cohorts (Lek et al., 2016; 1000 Genomes Consortium et al., 2015; Exome Variant Server). The c.878dupC variant causes a frameshift starting with codon Histidine 294, changes this amino acid to a Alanine residue and creates a premature Stop codon at position 26 of the new reading frame, denoted p.His294AlafsX26. This variant is predicted to cause loss of normal protein function either through protein truncation or nonsense-mediated mRNA decay. Therefore, this variant is likely pathogenic; however, the possibility that it is benign cannot be excluded.

NM_001184880.2(PCDH19):c.878dup (p.His294fs)

Gene: PCDH19 (protocadherin 19; minus strand). Cytogenetic location: Xq22.1.
Variant type: Duplication.
Coding change: c.878dup on transcript NM_001184880.2 (MANE Select); coding-DNA position 878, one base duplicated (C; older notation c.878dupC).
Protein change: p.His294fs; shifts the reading frame from histidine 294.
Molecular consequence: frameshift variant.
Genome position (GRCh38, 1-based): chrX:100,407,720, G duplicated on the plus strand (C on the coding strand, the reverse complement: PCDH19 is on the minus strand); the first of 3 consecutive G bases (chrX:100,407,720-100,407,722); duplicating any one gives the same sequence. VCF-style (leftmost placement, unchanged base first): chrX-100407719-C-CG. GRCh37 (hg19) VCF-style: chrX-99662717-C-CG.
Other names: c.878dup, p.His294fs (NM_001105243.2, NM_020766.3); c.878dupC (NM_001184880.1); short protein forms H294fs.
Identifiers: ClinVar variation 429401 (VCV000429401.1), dbSNP rs1131691362, ClinGen allele CA645369813.